The following is an entry in ClinVar:

ClinVar aggregate classification (germline): Uncertain significance (1 of 4 stars; one submission).

Conditions:
Peroxisome biogenesis disorder. Identifiers: Orphanet 79189, MedGen C1832200, MONDO:0019234. Disease mechanism: loss of function.

Submission:

Labcorp Genetics (formerly Invitae), Labcorp
Classification: Uncertain significance for Peroxisome biogenesis disorder. Last evaluated: 2022-11-01. Review status: criteria provided, single submitter. Criteria: Invitae Variant Classification Sherloc (09022015). Collection method: clinical testing. Allele origin: germline.
Comment: In summary, the available evidence is currently insufficient to determine the role of this variant in disease. Therefore, it has been classified as a Variant of Uncertain Significance. Advanced modeling of protein sequence and biophysical properties (such as structural, functional, and spatial information, amino acid conservation, physicochemical variation, residue mobility, and thermodynamic stability) performed at Invitae indicates that this missense variant is not expected to disrupt PEX16 protein function. This variant has not been reported in the literature in individuals affected with PEX16-related conditions. This variant is not present in population databases (gnomAD no frequency). This sequence change replaces glycine, which is neutral and non-polar, with valine, which is neutral and non-polar, at codon 312 of the PEX16 protein (p.Gly312Val).

NM_004813.4(PEX16):c.935G>T (p.Gly312Val)

Gene: PEX16 (peroxisomal biogenesis factor 16; minus strand). Cytogenetic location: 11p11.2.
Variant type: single nucleotide variant.
Coding change: c.935G>T on transcript NM_004813.4 (MANE Select); coding-DNA position 935, G replaced by T.
Protein change: p.Gly312Val; replaces glycine 312 with valine.
Molecular consequence: missense variant.
Genome position (GRCh38, 1-based): chr11:45,910,915, C>A on the plus strand (G>T on the coding strand, the complement: PEX16 is on the minus strand). VCF-style: chr11-45910915-C-A. GRCh37 (hg19) VCF-style: chr11-45932466-C-A.
Other names: c.935G>T, p.Gly312Val (NM_057174.3); short protein forms G312V.
Identifiers: ClinVar variation 2839820 (VCV002839820.3), dbSNP rs2494878497, ClinGen allele CA380224493.